The following is an entry in ClinVar:

ClinVar aggregate classification (germline): Conflicting classifications of pathogenicity. Review status: criteria provided, conflicting classifications (1 of 4 stars). 10 submissions from 10 submitters: Uncertain significance (8); Likely benign (1). 1 of the submissions does not count toward it. Last evaluated 2024-11-13.

Conditions:
Microcephaly 1, primary, autosomal recessive (MCPH1). Also called: PREMATURE CHROMOSOME CONDENSATION SYNDROME; PCC SYNDROME; PREMATURE CHROMOSOME CONDENSATION WITH MICROCEPHALY AND MENTAL RETARDATION. Identifiers: Orphanet 2512, MedGen C1855081, MONDO:0009617, OMIM 251200.
Intellectual disability. Also called: Intellectual functioning disability; intellectual disabilities; Intellectual developmental disorder. Identifiers: MedGen C3714756, MeSH D008607, MONDO:0001071, HP:0001249.

Allele frequency attached by ClinVar (database versions not stated): 1000 Genomes Project 0.00020; ESP Exome Variant Server 0.00033; gnomAD 0.00046 and 0.00054; 1000 Genomes Project 30x 0.00047; ExAC 0.00060; TOPMed 0.00061.
gnomAD v4.1: 808 of 1,614,176 alleles (0.05%); highest among the groups gnomAD compares: Middle Eastern, 0.59%; 5 homozygotes.

Submissions (10):

Blueprint Genetics
Classification: Uncertain significance. Last evaluated: 2024-11-13. Review status: criteria provided, single submitter. Criteria: ACMG Guidelines, 2015. Collection method: clinical testing. Allele origin: germline.

CeGaT Center for Human Genetics Tuebingen
Classification: Likely benign. Last evaluated: 2024-11-01. Review status: criteria provided, single submitter. Criteria: CeGaT Center For Human Genetics Tuebingen Variant Classification Criteria Version 2. Collection method: clinical testing. Allele origin: germline. Affected: yes. Observed: 6 variant alleles.
Comment: MCPH1: BP4, BS1

Labcorp Genetics (formerly Invitae), Labcorp
Classification: Uncertain significance. Last evaluated: 2022-08-19. Review status: criteria provided, single submitter. Criteria: Invitae Variant Classification Sherloc (09022015). Collection method: clinical testing. Allele origin: germline.
Comment: This sequence change replaces aspartic acid, which is acidic and polar, with glutamic acid, which is acidic and polar, at codon 261 of the MCPH1 protein (p.Asp261Glu). This variant is present in population databases (rs199700538, gnomAD 0.2%), and has an allele count higher than expected for a pathogenic variant. This missense change has been observed in individual(s) with MCPH1-related conditions (PMID: 20949544). ClinVar contains an entry for this variant (Variation ID: 211449). Algorithms developed to predict the effect of missense changes on protein structure and function are either unavailable or do not agree on the potential impact of this missense change (SIFT: "Not Available"; PolyPhen-2: "Benign"; Align-GVGD: "Not Available"). In summary, the available evidence is currently insufficient to determine the role of this variant in disease. Therefore, it has been classified as a Variant of Uncertain Significance.

GeneDx
Classification: Uncertain significance. Last evaluated: 2019-07-31. Review status: criteria provided, single submitter. Criteria: GeneDx Variant Classification Process June 2021. Collection method: clinical testing. Allele origin: germline. Affected: yes.
Comment: In silico analysis, which includes protein predictors and evolutionary conservation, supports that this variant does not alter protein structure/function; Has not been previously published as pathogenic or benign to our knowledge

Athena Diagnostics
Classification: Uncertain significance. Last evaluated: 2019-03-06. Review status: criteria provided, single submitter. Criteria: Athena Diagnostics Criteria. Collection method: clinical testing. Allele origin: germline.

Fulgent Genetics
Classification: Uncertain significance for Microcephaly 1, primary, autosomal recessive. Last evaluated: 2018-10-31. Review status: criteria provided, single submitter. Criteria: ACMG Guidelines, 2015. Collection method: clinical testing. Allele origin: unknown.

Illumina Laboratory Services, Illumina
Classification: Uncertain significance for Microcephaly 1, primary, autosomal recessive. Last evaluated: 2017-04-27. Review status: criteria provided, single submitter. Criteria: ICSL Variant Classification Criteria 13 December 2019. Collection method: clinical testing. Allele origin: germline.
Comment: This variant was observed as part of a predisposition screen in an ostensibly healthy population. A literature search was performed for the gene, cDNA change, and amino acid change (where applicable). Publications were found based on this search. However, the evidence from the literature, in combination with allele frequency data from public databases where available, was not sufficient to rule this variant in or out of causing disease. Therefore, this variant is classified as a variant of unknown significance.

Genetic Services Laboratory, University of Chicago
Classification: Uncertain significance. Last evaluated: 2015-06-17. Review status: criteria provided, single submitter. Criteria: ACMG Guidelines, 2015. Collection method: clinical testing. Allele origin: germline.

Breakthrough Genomics
Classification: Uncertain significance. Review status: criteria provided, single submitter. Criteria: ACMG Guidelines, 2015. Collection method: not provided. Allele origin: germline. Inheritance: Autosomal recessive inheritance. Affected: yes.

Centre de Biologie Pathologie Génétique, Centre Hospitalier Universitaire de Lille
Classification: Uncertain significance for Intellectual disability. Last evaluated: 2019-01-01. Review status: no assertion criteria provided. Collection method: clinical testing. Allele origin: unknown. Affected: yes. Not counted in ClinVar's aggregate classification.

Literature cited by the submitters: PubMed 20949544 (cited by Labcorp Genetics (formerly Invitae), Labcorp and Illumina Laboratory Services, Illumina).

NM_024596.5(MCPH1):c.783T>A (p.Asp261Glu)

Gene: MCPH1 (microcephalin 1; plus strand). Cytogenetic location: 8p23.1.
Variant type: single nucleotide variant.
Coding change: c.783T>A on transcript NM_024596.5 (MANE Select); coding-DNA position 783, T replaced by A.
Protein change: p.Asp261Glu; replaces aspartic acid 261 with glutamic acid.
Molecular consequence: missense variant. On other transcripts: non-coding transcript variant (1).
Genome position (GRCh38, 1-based): chr8:6,444,505, T>A. VCF-style: chr8-6444505-T-A. GRCh37 (hg19) VCF-style: chr8-6302026-T-A.
Other names: c.783T>A, p.Asp261Glu (NM_001172574.2, NM_001322042.2, NM_001363979.1 and 1 more transcripts); c.639T>A, p.Asp213Glu (NM_001172575.2); c.777T>A, p.Asp259Glu (NM_001322043.2); c.681T>A, p.Asp227Glu (NM_001322045.2); short protein forms D261E, D227E, D259E, D213E.
Identifiers: ClinVar variation 211449 (VCV000211449.57), dbSNP rs199700538, ClinGen allele CA207930.